The following is an entry in ClinVar:

ClinVar aggregate classification (germline): Uncertain significance (1 of 4 stars; one submission).

Conditions:
Pulmonary hypertension, primary, 4. Identifiers: Orphanet 422, MedGen C3809198, MONDO:0014136, OMIM 615344.

Allele frequency attached by ClinVar (database versions not stated): gnomAD exomes below 0.00001; TOPMed 0.00001; gnomAD 0.00002.
gnomAD v4.1: 4 of 1,562,476 alleles (0.00026%); highest among the groups gnomAD compares: African/African-American, 0.0027%; no homozygotes.

Submission:

Labcorp Genetics (formerly Invitae), Labcorp
Classification: Uncertain significance for Pulmonary hypertension, primary, 4. Last evaluated: 2022-12-23. Review status: criteria provided, single submitter. Criteria: Invitae Variant Classification Sherloc (09022015). Collection method: clinical testing. Allele origin: germline.
Comment: This sequence change replaces glycine, which is neutral and non-polar, with serine, which is neutral and polar, at codon 273 of the KCNK3 protein (p.Gly273Ser). In summary, the available evidence is currently insufficient to determine the role of this variant in disease. Therefore, it has been classified as a Variant of Uncertain Significance. Advanced modeling of protein sequence and biophysical properties (such as structural, functional, and spatial information, amino acid conservation, physicochemical variation, residue mobility, and thermodynamic stability) performed at Invitae indicates that this missense variant is not expected to disrupt KCNK3 protein function. This variant has not been reported in the literature in individuals affected with KCNK3-related conditions. This variant is not present in population databases (gnomAD no frequency).

NM_002246.3(KCNK3):c.817G>A (p.Gly273Ser)

Gene: KCNK3 (potassium two pore domain channel subfamily K member 3; plus strand). Cytogenetic location: 2p23.3.
Variant type: single nucleotide variant.
Coding change: c.817G>A on transcript NM_002246.3 (MANE Select); coding-DNA position 817, G replaced by A.
Protein change: p.Gly273Ser; replaces glycine 273 with serine.
Molecular consequence: missense variant.
Genome position (GRCh38, 1-based): chr2:26,728,200, G>A. VCF-style: chr2-26728200-G-A. GRCh37 (hg19) VCF-style: chr2-26951068-G-A.
Other names: short protein forms G273S.
Identifiers: ClinVar variation 2724139 (VCV002724139.3), dbSNP rs760706655, ClinGen allele CA346262832.